The following is an entry in ClinVar:

ClinVar aggregate classification (germline): Uncertain significance (1 of 4 stars; one submission).

Allele frequency attached by ClinVar (database versions not stated): TOPMed 0.00002; gnomAD 0.00004.
gnomAD v4.1: 10 of 1,551,566 alleles (0.00064%); highest among the groups gnomAD compares: African/African-American, 0.0055%; no homozygotes.

Submission:

Labcorp Genetics (formerly Invitae), Labcorp
Classification: Uncertain significance. Last evaluated: 2023-10-29. Review status: criteria provided, single submitter. Criteria: Invitae Variant Classification Sherloc (09022015). Collection method: clinical testing. Allele origin: germline.
Comment: This sequence change replaces arginine, which is basic and polar, with tryptophan, which is neutral and slightly polar, at codon 332 of the FOXI3 protein (p.Arg332Trp). This variant is present in population databases (no rsID available, gnomAD 0.006%). This variant has not been reported in the literature in individuals affected with FOXI3-related conditions. Experimental studies and prediction algorithms are not available or were not evaluated, and the functional significance of this variant is currently unknown. In summary, the available evidence is currently insufficient to determine the role of this variant in disease. Therefore, it has been classified as a Variant of Uncertain Significance.

NM_001135649.3(FOXI3):c.994C>T (p.Arg332Trp)

Gene: FOXI3 (forkhead box I3; minus strand). Cytogenetic location: 2p11.2.
Variant type: single nucleotide variant.
Coding change: c.994C>T on transcript NM_001135649.3 (MANE Select); coding-DNA position 994, C replaced by T.
Protein change: p.Arg332Trp; replaces arginine 332 with tryptophan.
Molecular consequence: missense variant.
Genome position (GRCh38, 1-based): chr2:88,448,476, G>A on the plus strand (C>T on the coding strand, the complement: FOXI3 is on the minus strand). VCF-style: chr2-88448476-G-A. GRCh37 (hg19) VCF-style: chr2-88747995-G-A.
Other names: short protein forms R332W.
Identifiers: ClinVar variation 2897415 (VCV002897415.3), dbSNP rs933758886, ClinGen allele CA51943843.